The following is an entry in ClinVar:

ClinVar aggregate classification (germline): Conflicting classifications of pathogenicity. Review status: criteria provided, conflicting classifications (1 of 4 stars). 4 submissions from 4 submitters: Uncertain significance (1); Likely benign (2). 1 of the submissions does not count toward it. Last evaluated 2026-01-23.

Conditions:
SPINT2-related disorder. Also called: SPINT2-related condition.

Allele frequency attached by ClinVar (database versions not stated): 1000 Genomes Project 30x 0.00062; 1000 Genomes Project 0.00080; TOPMed 0.00085; gnomAD 0.00097 and 0.00104; gnomAD exomes 0.00139 and 0.00155; ESP Exome Variant Server 0.00154; ExAC 0.00166.
gnomAD v4.1: 2,389 of 1,614,074 alleles (0.15%); highest among the groups gnomAD compares: South Asian, 0.36%; 8 homozygotes.

Submissions (4):

Labcorp Genetics (formerly Invitae), Labcorp
Classification: Likely benign. Last evaluated: 2026-01-23. Review status: criteria provided, single submitter. Criteria: Invitae Variant Classification Sherloc (09022015). Collection method: clinical testing. Allele origin: germline.

Blueprint Genetics
Classification: Uncertain significance. Last evaluated: 2024-09-23. Review status: criteria provided, single submitter. Criteria: ACMG Guidelines, 2015. Collection method: clinical testing. Allele origin: germline.

Breakthrough Genomics
Classification: Likely benign. Review status: criteria provided, single submitter. Criteria: ACMG Guidelines, 2015. Collection method: not provided. Allele origin: germline. Inheritance: Autosomal recessive inheritance. Affected: yes.

PreventionGenetics, part of Exact Sciences
Classification: Likely benign for SPINT2-related condition. Last evaluated: 2023-05-05. Review status: no assertion criteria provided. Collection method: clinical testing. Allele origin: germline. Not counted in ClinVar's aggregate classification.
Comment: This variant is classified as likely benign based on ACMG/AMP sequence variant interpretation guidelines (Richards et al. 2015 PMID: 25741868, with internal and published modifications).

NM_021102.4(SPINT2):c.715G>A (p.Gly239Arg)

Gene: SPINT2 (serine peptidase inhibitor, Kunitz type 2; plus strand). Cytogenetic location: 19q13.2.
Variant type: single nucleotide variant.
Coding change: c.715G>A on transcript NM_021102.4 (MANE Select); coding-DNA position 715, G replaced by A.
Protein change: p.Gly239Arg; replaces glycine 239 with arginine.
Molecular consequence: missense variant.
Genome position (GRCh38, 1-based): chr19:38,291,962, G>A. VCF-style: chr19-38291962-G-A. GRCh37 (hg19) VCF-style: chr19-38782602-G-A.
Other names: c.544G>A, p.Gly182Arg (NM_001166103.2); c.715G>A (NM_021102.3); short protein forms G182R, G239R.
Identifiers: ClinVar variation 1103313 (VCV001103313.13), dbSNP rs143567268, ClinGen allele CA9411604.